The following is an entry in ClinVar:

NM_021930.6(RINT1):c.478G>C (p.Ala160Pro)

Gene: RINT1 (RAD50 interactor 1; plus strand). Cytogenetic location: 7q22.3.
Variant type: single nucleotide variant.
Coding change: c.478G>C on transcript NM_021930.6 (MANE Select); coding-DNA position 478, G replaced by C.
Protein change: p.Ala160Pro; replaces alanine 160 with proline.
Molecular consequence: missense variant. On other transcripts: 5 prime UTR variant (3), non-coding transcript variant (1).
Genome position (GRCh38, 1-based): chr7:105,542,612, G>C. VCF-style: chr7-105542612-G-C. GRCh37 (hg19) VCF-style: chr7-105183059-G-C.
Other names: c.244G>C, p.Ala82Pro (NM_001346599.2); c.-542G>C (NM_001346600.2); c.-445G>C (NM_001346601.2); c.-65G>C (NM_001346603.2); short protein forms A160P, A82P.
Identifiers: ClinVar variation 3227658 (VCV003227658.1), dbSNP rs2133373952, ClinGen allele CA368803873.

ClinVar aggregate classification (germline): Uncertain significance (1 of 4 stars; one submission).

Submission:

Ambry Genetics
Classification: Uncertain significance. Last evaluated: 2023-11-02. Review status: criteria provided, single submitter. Criteria: Ambry Variant Classification Scheme 2023. Collection method: clinical testing. Allele origin: germline.
Comment: The p.A160P variant (also known as c.478G>C), located in coding exon 4 of the RINT1 gene, results from a G to C substitution at nucleotide position 478. The alanine at codon 160 is replaced by proline, an amino acid with highly similar properties. This amino acid position is conserved. In addition, this alteration is predicted to be tolerated by in silico analysis. Since supporting evidence is limited at this time, the clinical significance of this alteration remains unclear.